The following is an entry in ClinVar:

NM_015311.3(OBSL1):c.1508G>A (p.Arg503His)

Gene: OBSL1 (obscurin like cytoskeletal adaptor 1; minus strand). Cytogenetic location: 2q35.
Variant type: single nucleotide variant.
Coding change: c.1508G>A on transcript NM_015311.3 (MANE Select); coding-DNA position 1508, G replaced by A.
Protein change: p.Arg503His; replaces arginine 503 with histidine.
Molecular consequence: missense variant.
Genome position (GRCh38, 1-based): chr2:219,567,744, C>T on the plus strand (G>A on the coding strand, the complement: OBSL1 is on the minus strand). VCF-style: chr2-219567744-C-T. GRCh37 (hg19) VCF-style: chr2-220432466-C-T.
Other names: c.1508G>A, p.Arg503His (NM_001173408.2, NM_001173431.2); short protein forms R503H.
Identifiers: ClinVar variation 1424170 (VCV001424170.6), dbSNP rs539425919, ClinGen allele CA2131519.

ClinVar aggregate classification (germline): Uncertain significance (1 of 4 stars; one submission).

Allele frequency attached by ClinVar (database versions not stated): gnomAD 0.00007; ExAC 0.00010; gnomAD exomes 0.00006; TOPMed 0.00006; 1000 Genomes Project 30x 0.00016.
gnomAD v4.1: 93 of 1,613,122 alleles (0.0058%); highest among the groups gnomAD compares: South Asian, 0.044%; no homozygotes.

Submission:

Labcorp Genetics (formerly Invitae), Labcorp
Classification: Uncertain significance. Last evaluated: 2024-10-22. Review status: criteria provided, single submitter. Criteria: Invitae Variant Classification Sherloc (09022015). Collection method: clinical testing. Allele origin: germline.
Comment: This sequence change replaces arginine, which is basic and polar, with histidine, which is basic and polar, at codon 503 of the OBSL1 protein (p.Arg503His). This variant is present in population databases (rs539425919, gnomAD 0.04%). This variant has not been reported in the literature in individuals affected with OBSL1-related conditions. ClinVar contains an entry for this variant (Variation ID: 1424170). An algorithm developed to predict the effect of missense changes on protein structure and function outputs the following: PolyPhen-2: "Benign". The histidine amino acid residue is found in multiple mammalian species, which suggests that this missense change does not adversely affect protein function. In summary, the available evidence is currently insufficient to determine the role of this variant in disease. Therefore, it has been classified as a Variant of Uncertain Significance.